The following is an entry in ClinVar:

ClinVar aggregate classification (germline): Uncertain significance (1 of 4 stars; one submission).

Submission:

Labcorp Genetics (formerly Invitae), Labcorp
Classification: Uncertain significance. Last evaluated: 2025-05-25. Review status: criteria provided, single submitter. Criteria: Invitae Variant Classification Sherloc (09022015). Collection method: clinical testing. Allele origin: germline.
Comment: This sequence change replaces glutamine, which is neutral and polar, with glutamic acid, which is acidic and polar, at codon 350 of the ADAMTS18 protein (p.Gln350Glu). This variant is not present in population databases (gnomAD no frequency). This variant has not been reported in the literature in individuals affected with ADAMTS18-related conditions. An algorithm developed to predict the effect of missense changes on protein structure and function outputs the following: PolyPhen-2: "Benign". The glutamic acid amino acid residue is found in multiple mammalian species, which suggests that this missense change does not adversely affect protein function. In summary, the available evidence is currently insufficient to determine the role of this variant in disease. Therefore, it has been classified as a Variant of Uncertain Significance.

NM_199355.4(ADAMTS18):c.1048C>G (p.Gln350Glu)

Gene: ADAMTS18 (ADAM metallopeptidase with thrombospondin type 1 motif 18; minus strand). Cytogenetic location: 16q23.1.
Variant type: single nucleotide variant.
Coding change: c.1048C>G on transcript NM_199355.4 (MANE Select); coding-DNA position 1048, C replaced by G.
Protein change: p.Gln350Glu; replaces glutamine 350 with glutamic acid.
Molecular consequence: missense variant.
Genome position (GRCh38, 1-based): chr16:77,363,810, G>C on the plus strand (C>G on the coding strand, the complement: ADAMTS18 is on the minus strand). VCF-style: chr16-77363810-G-C. GRCh37 (hg19) VCF-style: chr16-77397707-G-C.
Other names: c.532C>G, p.Gln178Glu (NM_001326358.2); short protein forms Q178E, Q350E.
Identifiers: ClinVar variation 4812091 (VCV004812091.1).